The following is an entry in ClinVar:

NM_012414.4(RAB3GAP2):c.2946A>G (p.Val982=)

Gene: RAB3GAP2 (RAB3 GTPase activating non-catalytic protein subunit 2; minus strand). Cytogenetic location: 1q41.
Variant type: single nucleotide variant.
Coding change: c.2946A>G on transcript NM_012414.4 (MANE Select); coding-DNA position 2946, A replaced by G.
Protein change: p.Val982=; no amino-acid change (valine 982 retained).
Molecular consequence: synonymous variant.
Genome position (GRCh38, 1-based): chr1:220,167,536, T>C on the plus strand (A>G on the coding strand, the complement: RAB3GAP2 is on the minus strand). VCF-style: chr1-220167536-T-C. GRCh37 (hg19) VCF-style: chr1-220340878-T-C.
Other names: c.2946A>G (NM_012414.3).
Identifiers: ClinVar variation 2924285 (VCV002924285.9), dbSNP rs748154558, ClinGen allele CA1402310.

ClinVar aggregate classification (germline): Likely benign. Review status: criteria provided, multiple submitters, no conflicts (2 of 4 stars). 3 submissions from 3 submitters: Likely benign (2). 1 of the submissions does not count toward it. Last evaluated 2026-03-01.

Conditions:
Warburg micro syndrome 2 (WARBM2). Also called: MICRO SYNDROME 2. Identifiers: Orphanet 2510, MedGen C3280214, MONDO:0013641, OMIM 614225.
Martsolf syndrome (MARTS). Also called: Congenital cataract with intellectual disability and hypogonadotropic hypogonadism syndrome. Identifiers: Orphanet 1387, MedGen C0796037, MONDO:0023910.
RAB3GAP2-related disorder. Also called: RAB3GAP2-related condition; RAB3GAP2-related disorders.

Allele frequency attached by ClinVar (database versions not stated): TOPMed 0.00001; ExAC 0.00005; gnomAD exomes 0.00005; gnomAD 0.00012.
gnomAD v4.1: 92 of 1,614,080 alleles (0.0057%); highest among the groups gnomAD compares: Non-Finnish European, 0.0047%; no homozygotes.

Submissions (3):

CeGaT Center for Human Genetics Tuebingen
Classification: Likely benign. Last evaluated: 2026-03-01. Review status: criteria provided, single submitter. Criteria: CeGaT Center For Human Genetics Tuebingen Variant Classification Criteria Version 2. Collection method: clinical testing. Allele origin: germline. Affected: yes. Observed: 1 variant allele.
Comment: RAB3GAP2: BP4, BP7

Labcorp Genetics (formerly Invitae), Labcorp
Classification: Likely benign for Martsolf syndrome; Warburg micro syndrome 2. Last evaluated: 2023-07-30. Review status: criteria provided, single submitter. Criteria: Invitae Variant Classification Sherloc (09022015). Collection method: clinical testing. Allele origin: germline.

PreventionGenetics, part of Exact Sciences
Classification: Likely benign for RAB3GAP2-related condition. Last evaluated: 2021-09-13. Review status: no assertion criteria provided. Collection method: clinical testing. Allele origin: germline. Not counted in ClinVar's aggregate classification.
Comment: This variant is classified as likely benign based on ACMG/AMP sequence variant interpretation guidelines (Richards et al. 2015 PMID: 25741868, with internal and published modifications).